The following is an entry in ClinVar:

ClinVar aggregate classification (germline): Uncertain significance. Review status: reviewed by expert panel (3 of 4 stars). 6 submissions from 6 submitters: Uncertain significance (1). 5 of the submissions do not count toward it. Last evaluated 2026-08-06.

Conditions:
Anauxetic dysplasia. Identifiers: Orphanet 93347, MedGen C1846796, MONDO:0011773.
Metaphyseal chondrodysplasia, McKusick type (CHH). Also called: Cartilage-hair hypoplasia; Cartilage-Hair Hypoplasia (CHH). Identifiers: Orphanet 175, MedGen C0220748, MONDO:0009595, OMIM 250250.

Allele frequency attached by ClinVar (database versions not stated): gnomAD exomes below 0.00001 and 0.00001; TOPMed below 0.00001.
gnomAD v4.1: 2 of 700,448 alleles (0.00029%); highest among the groups gnomAD compares: Admixed American, 0.002%; no homozygotes.

Submissions (6):

ClinGen Severe Combined Immunodeficiency Variant Curation Expert Panel, ClinGen
Classification: Uncertain significance for Metaphyseal chondrodysplasia, McKusick type. Last evaluated: 2026-08-06. Review status: reviewed by expert panel. Criteria: ClinGen SCID ACMG Specifications RMRP V1.3. Collection method: curation. Allele origin: germline. Inheritance: Autosomal recessive inheritance.
Comment: This variant NC_000009.12:g.35657978C>T, also known as NR_003051.4(RMRP):n.42G>A or NR_003051.3(RMRP):n.41G>A, has the highest subpopulation allele frequency of 0.00001999 (1 in 50018 alleles) in admixed American population in the gnomAD v4.1.1 database, which is lower than the threshold for PM2_Supporting (<0.0000447) defined by the SCID VCEP (PM2_Supporting). The variant has been described in two patients with cartilage-hair hypoplasia (PMID 16244706, 20375313). One patient was heterozygous for this variant and a NR_003051.4:n.65C>T (referred to as g.63C>T) variant, trans phase confirmed by parental DNA. The n.65C>T variant has not been curated by the SCID VCEP. The identity of the +63C>T variant cannot be verified. Trans phase confirmation was not mentioned in the study (PM3 not met). One patient (PMID 16244706) presented with metaphyseal dysplasia, immune deficiency and hematological abnormalities (PP4). In silico analysis using RNAsnp returns p-value of 0.2270, which does not support a deleterious effect on the gene product (PP3 not met). Due to insufficient evidence, this variant is classified as a variant of uncertain significance for autosomal recessive cartilage-hair hypoplasia based on the ACMG/AMP criteria applied, as specified by the ClinGen SCID VCEP: PM2_Supporting, PP4 (SCID VCEP specifications version 1.3).

Natera, Inc.
Classification: Likely pathogenic for Cartilage-hair hypoplasia. Last evaluated: 2026-01-21. Review status: criteria provided, single submitter. Criteria: Natera Variant Classification Schema (03/2026). Collection method: clinical testing. Allele origin: germline. Not counted in ClinVar's aggregate classification.
Comment: The n.41G>A variant in RMRP is characterized as a single nucleotide variant (SNV). This variant is rare in the general population with a frequency below the threshold expected for the associated phenotype(s). This variant has been observed in one or more individuals affected with the associated recessive disease, as either homozygous or compound heterozygous with a second variant (PMID: 16244706). Functional studies show that this variant may disrupt protein function (PMID: 18164267). Given the available evidence, this variant is classified as Likely Pathogenic.

Labcorp Genetics (formerly Invitae), Labcorp
Classification: Likely pathogenic for Anauxetic dysplasia. Last evaluated: 2023-09-21. Review status: criteria provided, single submitter. Criteria: Invitae Variant Classification Sherloc (09022015). Collection method: clinical testing. Allele origin: germline. Not counted in ClinVar's aggregate classification.
Comment: In summary, the currently available evidence indicates that the variant is pathogenic, but additional data are needed to prove that conclusively. Therefore, this variant has been classified as Likely Pathogenic. Experimental studies have shown that this variant affects RMRP function (PMID: 18164267). Algorithms developed to predict the effect of variants on protein structure and function are not available or were not evaluated for this variant. ClinVar contains an entry for this variant (Variation ID: 550994). This variant is also known as g.40G>A. This variant has been observed in individual(s) with cartilage hair hypoplasia (PMID: 16244706, 20375313). In at least one individual the data is consistent with being in trans (on the opposite chromosome) from a pathogenic variant. This variant is present in population databases (no rsID available, gnomAD 0.004%). This variant occurs in the RMRP gene, which encodes an RNA molecule that does not result in a protein product.

3billion
Classification: Likely pathogenic for Metaphyseal chondrodysplasia, McKusick type. Last evaluated: 2022-09-01. Review status: criteria provided, single submitter. Criteria: ACMG Guidelines, 2015. Collection method: clinical testing. Allele origin: germline. Affected: yes. Observed: 1 homozygote. Not counted in ClinVar's aggregate classification.
Comment: The variant is observed at an extremely low frequency in the gnomAD v2.1.1 dataset (total allele frequency: <0.001%). Non-coding variant. The variant has been reported at least twice as pathogenic with clinical assertions and evidence for the classification (ClinVar ID: VCV000550994). Therefore, this variant is classified as Likely pathogenic according to the recommendation of ACMG/AMP guideline.

Women's Health and Genetics/Laboratory Corporation of America, LabCorp
Classification: Likely pathogenic for Metaphyseal chondrodysplasia, McKusick type. Last evaluated: 2021-10-04. Review status: criteria provided, single submitter. Criteria: LabCorp Variant Classification Summary - May 2015. Collection method: clinical testing. Allele origin: germline. Not counted in ClinVar's aggregate classification.
Comment: Variant summary: RMRP n.41G>A alters a nucleotide in the non-coding RNA. The variant allele was found at a frequency of 7.7e-06 in 130626 control chromosomes (gnomAD). The available data on variant occurrences in the general population are insufficient to allow any conclusion about variant significance. n.41G>A (also known as g.40G>A) has been reported in the literature in individuals affected with Cartilage-Hair Hypoplasia (Bonafe_2005, Bordon_2010). These data indicate that the variant may be associated with disease. At least one functional study reports this variant altered the structure of the P3 apical stem loop, which, in contrast to the wild type P3 domain is not efficiently bound by the Rpp20-Rpp25 heterodimer (Welting_2008). Two ClinVar submitters (evaluation after 2014) cite the variant as likely pathogenic. Based on the evidence outlined above, the variant was classified as likely pathogenic.

Counsyl
Classification: Likely pathogenic for Metaphyseal chondrodysplasia, McKusick type. Last evaluated: 2017-03-23. Review status: no assertion criteria provided. Collection method: clinical testing. Allele origin: unknown. Not counted in ClinVar's aggregate classification.

Literature cited by the submitters: PubMed 16244706 (cited by 4 submitters); PubMed 18164267 (cited by 4 submitters); PubMed 20375313 (cited by 3 submitters); PubMed 17701897 (cited by Women's Health and Genetics/Laboratory Corporation of America, LabCorp); PubMed 17189938 (cited by Women's Health and Genetics/Laboratory Corporation of America, LabCorp); PubMed 21956908 (cited by Women's Health and Genetics/Laboratory Corporation of America, LabCorp); PubMed 21396580 (cited by Women's Health and Genetics/Laboratory Corporation of America, LabCorp); PubMed 20808897 (cited by Women's Health and Genetics/Laboratory Corporation of America, LabCorp); PubMed 33444820 (cited by Women's Health and Genetics/Laboratory Corporation of America, LabCorp).

NR_003051.4(RMRP):n.42G>A

Gene: RMRP (RNA component of mitochondrial RNA processing endoribonuclease; minus strand). Cytogenetic location: 9p13.3.
Variant type: single nucleotide variant.
Genome position: GRCh38 VCF-style: chr9-35657978-C-T. GRCh37 (hg19) VCF-style: chr9-35657975-C-T.
Identifiers: ClinVar variation 550994 (VCV000550994.15), dbSNP rs1156413585, ClinGen allele CA464450986.